The following is an entry in ClinVar:

ClinVar aggregate classification (germline): Likely pathogenic (1 of 4 stars; one submission).

Conditions:
Hereditary cancer-predisposing syndrome. Also called: Neoplastic Syndromes, Hereditary; Tumor predisposition; Hereditary Cancer Syndrome; Hereditary neoplastic syndrome. Identifiers: Orphanet 140162, MedGen C0027672, MeSH D009386, MONDO:0015356.

Submission:

Ambry Genetics
Classification: Likely pathogenic for Hereditary cancer-predisposing syndrome. Last evaluated: 2022-09-20. Review status: criteria provided, single submitter. Criteria: Ambry Variant Classification Scheme 2023. Collection method: clinical testing. Allele origin: germline.
Comment: The c.2185-1G>T intronic variant results from a G to T substitution one nucleotide upstream from coding exon 15 of the NBN gene. Alterations that disrupt the canonical splice site are expected to cause aberrant splicing. In silico splice site analysis predicts that this alteration will weaken the native splice acceptor site. The resulting transcript is predicted to be in-frame and is not expected to trigger nonsense-mediated mRNA decay; however, direct evidence is unavailable. The exact functional effect of the altered amino acid sequence is unknown; however, the impacted region is critical for protein function (Ambry internal data). This nucleotide position is highly conserved in available vertebrate species. This variant is considered to be rare based on population cohorts in the Genome Aggregation Database (gnomAD). Based on the majority of available evidence to date, this variant is likely to be pathogenic.

NM_002485.5(NBN):c.2185-1G>T

Gene: NBN (nibrin; minus strand). Cytogenetic location: 8q21.3.
Variant type: single nucleotide variant.
Coding change: c.2185-1G>T on transcript NM_002485.5 (MANE Select); the canonical splice acceptor site of the intron before coding-DNA position 2185, G replaced by T.
Molecular consequence: splice acceptor variant.
Genome position (GRCh38, 1-based): chr8:89,937,076, C>A on the plus strand (G>T on the coding strand, the complement: NBN is on the minus strand). VCF-style: chr8-89937076-C-A. GRCh37 (hg19) VCF-style: chr8-90949304-C-A.
Other names: c.1939-1G>T (NM_001024688.3).
Identifiers: ClinVar variation 1787318 (VCV001787318.2), dbSNP rs1057517262, ClinGen allele CA371674845.
Genomic context (GRCh38, chr8:89,937,076, plus strand): 5'-CAAACTTTACCTAAAAAGATCATCAGCAAGAGACTCTTCTTTTGCATGTTGATTTTGTAC[C>A]TGTCAAAATTAACATAATTTCAAACATTTGCTCAGTGGTGAATATATAGTTAATGAATTG-3'